The following is an entry in ClinVar:

ClinVar aggregate classification (germline): Uncertain significance (1 of 4 stars; one submission).

Conditions:
MC3R-related disorder. Also called: MC3R-related condition.

Submission:

PreventionGenetics, part of Exact Sciences
Classification: Uncertain significance for MC3R-related condition. Last evaluated: 2025-11-06. Review status: criteria provided, single submitter. Criteria: ACMG Guidelines, 2015. Collection method: clinical testing. Allele origin: germline.
Comment: The MC3R c.692C>T variant is predicted to result in the amino acid substitution p.Ala231Val. To our knowledge, this variant has not been reported in the literature. This variant is reported in 0.00088% of alleles in individuals of European (Non-Finnish) descent in gnomAD. At this time, the clinical significance of this variant is uncertain due to the absence of conclusive functional and genetic evidence.

NM_019888.3(MC3R):c.692C>T (p.Ala231Val)

Gene: MC3R (melanocortin 3 receptor; plus strand). Cytogenetic location: 20q13.2.
Variant type: single nucleotide variant.
Coding change: c.692C>T on transcript NM_019888.3 (MANE Select); coding-DNA position 692, C replaced by T.
Protein change: p.Ala231Val; replaces alanine 231 with valine.
Molecular consequence: missense variant.
Genome position (GRCh38, 1-based): chr20:56,249,535, C>T. VCF-style: chr20-56249535-C-T. GRCh37 (hg19) VCF-style: chr20-54824591-C-T.
Other names: short protein forms A231V.
Identifiers: ClinVar variation 4977622 (VCV004977622.1).